The following is an entry in ClinVar:

NM_001393586.1(MYO7B):c.3493G>A (p.Gly1165Ser)

Gene: MYO7B (myosin VIIB; plus strand). Cytogenetic location: 2q14.3.
Variant type: single nucleotide variant.
Coding change: c.3493G>A on transcript NM_001393586.1 (MANE Select); coding-DNA position 3493, G replaced by A.
Protein change: p.Gly1165Ser; replaces glycine 1165 with serine.
Molecular consequence: missense variant. On other transcripts: 5 prime UTR variant (1).
Genome position (GRCh38, 1-based): chr2:127,620,434, G>A. VCF-style: chr2-127620434-G-A. GRCh37 (hg19) VCF-style: chr2-128378009-G-A.
Other names: NC_000002.11:g.128378009G>A; c.3415G>A, p.Gly1139Ser (NM_001080527.2); c.-27G>A (NM_001393594.1); short protein forms G1139S, G1165S.
Identifiers: ClinVar variation 3037992 (VCV003037992.3), dbSNP rs199900811, ClinGen allele CA1861456.
Genomic context (GRCh38, chr2:127,620,434, plus strand): 5'-TCGGAGAACTTCAAAACAAGCAGCCTGGCCCGGGGCTGGATCCTGCTCAGCCTCTGCCTC[G>A]GCTGCTTCCCACCCTCAGAGAGGTTCATGAAGGTGAGAGGGTTCATGAAGGGAGGGCGGG-3'
Protein context (NP_001380515.1, residues 1155-1175): RGWILLSLCL[Gly1165Ser]CFPPSERFMK

ClinVar aggregate classification (germline): Benign (0 of 4 stars; one submission).

Conditions:
MYO7B-related disorder. Also called: MYO7B-related condition.

Allele frequency attached by ClinVar (database versions not stated): ExAC 0.00098; ESP Exome Variant Server 0.00253; 1000 Genomes Project 0.00260; gnomAD 0.00316; 1000 Genomes Project 30x 0.00328; TOPMed 0.00347.
gnomAD v4.1: 969 of 1,607,338 alleles (0.06%); highest among the groups gnomAD compares: African/African-American, 1.1%; 7 homozygotes.

Submissions (3):

PreventionGenetics, part of Exact Sciences
Classification: Benign for MYO7B-related condition. Last evaluated: 2019-05-01. Review status: no assertion criteria provided. Collection method: clinical testing. Allele origin: germline.
Comment: This variant is classified as benign based on ACMG/AMP sequence variant interpretation guidelines (Richards et al. 2015 PMID: 25741868, with internal and published modifications).

Dr. Peter K. Rogan Lab, Western University
No classification provided (evidence only). Condition: Familial cancer of breast. Review status: no classification provided. Collection method: in vitro. Allele origin: not applicable. Functional consequence: retained intron. Not counted in ClinVar's aggregate classification.

Dr. Peter K. Rogan Lab, Western University
No classification provided (evidence only). Condition: Uterine corpus endometrial carcinoma. Review status: no classification provided. Collection method: in vitro. Allele origin: not applicable. Functional consequence: retained intron. Not counted in ClinVar's aggregate classification.